The following is an entry in ClinVar:

ClinVar aggregate classification (germline): Uncertain significance (1 of 4 stars; one submission).

Submission:

GeneDx
Classification: Uncertain significance. Last evaluated: 2022-07-29. Review status: criteria provided, single submitter. Criteria: GeneDx Variant Classification Process June 2021. Collection method: clinical testing. Allele origin: germline. Affected: yes.
Comment: Not observed at significant frequency in large population cohorts (gnomAD); In silico analysis supports that this missense variant has a deleterious effect on protein structure/function; Has not been previously published as pathogenic or benign to our knowledge

NM_001005273.3(CHD3):c.4424C>T (p.Ala1475Val)

Gene: CHD3 (chromodomain helicase DNA binding protein 3; plus strand). Cytogenetic location: 17p13.1.
Variant type: single nucleotide variant.
Coding change: c.4424C>T on transcript NM_001005273.3 (MANE Select); coding-DNA position 4424, C replaced by T.
Protein change: p.Ala1475Val; replaces alanine 1475 with valine.
Molecular consequence: missense variant.
Genome position (GRCh38, 1-based): chr17:7,906,618, C>T. VCF-style: chr17-7906618-C-T. GRCh37 (hg19) VCF-style: chr17-7809936-C-T.
Other names: c.4601C>T, p.Ala1534Val (NM_001005271.3); c.4424C>T, p.Ala1475Val (NM_005852.4); short protein forms A1475V, A1534V.
Identifiers: ClinVar variation 2412959 (VCV002412959.3), dbSNP rs2545078961, ClinGen allele CA397946165.